The following is an entry in ClinVar:

NM_000419.5(ITGA2B):c.1358G>A (p.Arg453Gln)

Gene: ITGA2B (integrin subunit alpha 2b; minus strand). Cytogenetic location: 17q21.31.
Variant type: single nucleotide variant.
Coding change: c.1358G>A on transcript NM_000419.5 (MANE Select); coding-DNA position 1358, G replaced by A.
Protein change: p.Arg453Gln; replaces arginine 453 with glutamine.
Molecular consequence: missense variant.
Genome position (GRCh38, 1-based): chr17:44,380,914, C>T on the plus strand (G>A on the coding strand, the complement: ITGA2B is on the minus strand). VCF-style: chr17-44380914-C-T. GRCh37 (hg19) VCF-style: chr17-42458282-C-T.
Other names: short protein forms R453Q.
Identifiers: ClinVar variation 2218307 (VCV002218307.5), dbSNP rs75998071, ClinGen allele CA8603163.

ClinVar aggregate classification (germline): Uncertain significance. Review status: criteria provided, multiple submitters, no conflicts (2 of 4 stars). 2 submissions from 2 submitters: Uncertain significance (2). Last evaluated 2024-08-09.

Conditions:
Inborn genetic diseases. Identifiers: MedGen C0950123, MeSH D030342.
Glanzmann thrombasthenia. Also called: BLEEDING DISORDER, PLATELET-TYPE, 2; THROMBASTHENIA OF GLANZMANN AND NAEGELI; PLATELET GLYCOPROTEIN IIb-IIIa DEFICIENCY; Thrombasthenia; Glanzmann's thrombasthenia. Identifiers: Orphanet 849, MedGen C0040015, MONDO:0100326.

Allele frequency attached by ClinVar (database versions not stated): ExAC 0.00001; TOPMed 0.00001; gnomAD exomes 0.00002.
gnomAD v4.1: 26 of 1,614,230 alleles (0.0016%); highest among the groups gnomAD compares: East Asian, 0.0022%; no homozygotes.

Submissions (3):

Labcorp Genetics (formerly Invitae), Labcorp
Classification: Uncertain significance for Glanzmann thrombasthenia. Last evaluated: 2024-08-09. Review status: criteria provided, single submitter. Criteria: Invitae Variant Classification Sherloc (09022015). Collection method: clinical testing. Allele origin: germline.
Comment: This sequence change replaces arginine, which is basic and polar, with glutamine, which is neutral and polar, at codon 453 of the ITGA2B protein (p.Arg453Gln). This variant is present in population databases (rs75998071, gnomAD 0.003%). This variant has not been reported in the literature in individuals affected with ITGA2B-related conditions. ClinVar contains an entry for this variant (Variation ID: 2218307). Advanced modeling of protein sequence and biophysical properties (such as structural, functional, and spatial information, amino acid conservation, physicochemical variation, residue mobility, and thermodynamic stability) performed at Invitae indicates that this missense variant is not expected to disrupt ITGA2B protein function with a negative predictive value of 80%. Algorithms developed to predict the effect of sequence changes on RNA splicing suggest that this variant may disrupt the consensus splice site. In summary, the available evidence is currently insufficient to determine the role of this variant in disease. Therefore, it has been classified as a Variant of Uncertain Significance.

Ambry Genetics
Classification: Uncertain significance for Inborn genetic diseases. Last evaluated: 2022-04-07. Review status: criteria provided, single submitter. Criteria: Ambry Variant Classification Scheme 2023. Collection method: clinical testing. Allele origin: germline.

Dr. Peter K. Rogan Lab, Western University
No classification provided (evidence only). Condition: Malignant tumor of urinary bladder. Review status: no classification provided. Collection method: in vitro. Allele origin: not applicable. Functional consequence: retained intron. Not counted in ClinVar's aggregate classification.